The following is an entry in ClinVar:

ClinVar aggregate classification (germline): Pathogenic (1 of 4 stars; one submission).

Submission:

Labcorp Genetics (formerly Invitae), Labcorp
Classification: Pathogenic. Last evaluated: 2023-09-24. Review status: criteria provided, single submitter. Criteria: Invitae Variant Classification Sherloc (09022015). Collection method: clinical testing. Allele origin: germline.
Comment: For these reasons, this variant has been classified as Pathogenic. This variant has not been reported in the literature in individuals affected with COL17A1-related conditions. This variant is not present in population databases (gnomAD no frequency). This sequence change creates a premature translational stop signal (p.Phe1055Serfs*11) in the COL17A1 gene. It is expected to result in an absent or disrupted protein product. Loss-of-function variants in COL17A1 are known to be pathogenic (PMID: 16473856, 17344927, 20301304, 21357940, 24319098).

Literature cited by the submitters: PubMed 16473856; PubMed 17344927; PubMed 20301304; PubMed 21357940; PubMed 24319098.

NM_000494.4(COL17A1):c.3164del (p.Phe1055fs)

Gene: COL17A1 (collagen type XVII alpha 1 chain; minus strand). Cytogenetic location: 10q25.1.
Variant type: Deletion.
Coding change: c.3164del on transcript NM_000494.4 (MANE Select); coding-DNA position 3164, one base deleted (T; older notation c.3164delT).
Protein change: p.Phe1055fs; shifts the reading frame from phenylalanine 1055.
Molecular consequence: frameshift variant.
Genome position (GRCh38, 1-based): chr10:104,037,680, A deleted on the plus strand (T on the coding strand, the reverse complement: COL17A1 is on the minus strand); the first of 3 consecutive A bases (chr10:104,037,680-104,037,682); deleting any one gives the same sequence. VCF-style (leftmost placement, unchanged base first): chr10-104037679-GA-G. GRCh37 (hg19) VCF-style: chr10-105797437-GA-G.
Other names: short protein forms F1055fs.
Identifiers: ClinVar variation 2804941 (VCV002804941.3), dbSNP rs2086314131, ClinGen allele CA932069946.